The following is an entry in ClinVar:

NM_003660.4(PPFIA3):c.1475T>C (p.Met492Thr)

Gene: PPFIA3 (PPFI scaffold protein A3; plus strand). Cytogenetic location: 19q13.33.
Variant type: single nucleotide variant.
Coding change: c.1475T>C on transcript NM_003660.4 (MANE Select); coding-DNA position 1475, T replaced by C.
Protein change: p.Met492Thr; replaces methionine 492 with threonine.
Molecular consequence: missense variant. On other transcripts: non-coding transcript variant (1).
Genome position (GRCh38, 1-based): chr19:49,134,870, T>C. VCF-style: chr19-49134870-T-C. GRCh37 (hg19) VCF-style: chr19-49638127-T-C.
Other names: short protein forms M492T.
Identifiers: ClinVar variation 4883577 (VCV004883577.2).

ClinVar aggregate classification (germline): Uncertain significance (1 of 4 stars; one submission).

Submission:

Dasa
Classification: Uncertain significance. Last evaluated: 2026-04-16. Review status: criteria provided, single submitter. Criteria: DASA Assertion Criteria. Collection method: clinical testing. Allele origin: germline.
Comment: NM_003660.4(PPFIA3):c.1475T>C (p.Met492Thr) is a missense variant that results in the substitution of methionine with threonine. This variant is rare in population databases. Computational prediction algorithms are consistent with a benign effect. The currently available literature and clinical evidence are not sufficient to establish a definitive association between this variant and the reported condition. Therefore, this variant is classified as a variant of uncertain significance.